The following is an entry in ClinVar:

ClinVar aggregate classification (germline): Uncertain significance. Review status: criteria provided, multiple submitters, no conflicts (2 of 4 stars). 3 submissions from 3 submitters: Uncertain significance (3). Last evaluated 2024-09-12.

Conditions:
Donnai-Barrow syndrome. Also called: DBS/FOAR SYNDROME; FACIOOCULOACOUSTICORENAL SYNDROME. Identifiers: Orphanet 2143, MedGen C1857277, MONDO:0009104, OMIM 222448.

Allele frequency attached by ClinVar (database versions not stated): ExAC 0.00002; gnomAD 0.00002 and 0.00003; gnomAD exomes 0.00002 and 0.00004; TOPMed 0.00004; ESP Exome Variant Server 0.00008.
gnomAD v4.1: 65 of 1,613,770 alleles (0.004%); highest among the groups gnomAD compares: Middle Eastern, 0.016%; no homozygotes.

Submissions (3):

Blueprint Genetics
Classification: Uncertain significance. Last evaluated: 2024-09-12. Review status: criteria provided, single submitter. Criteria: ACMG Guidelines, 2015. Collection method: clinical testing. Allele origin: germline.

Fulgent Genetics
Classification: Uncertain significance for Donnai-Barrow syndrome. Last evaluated: 2024-03-19. Review status: criteria provided, single submitter. Criteria: ACMG Guidelines, 2015. Collection method: clinical testing. Allele origin: germline.

Labcorp Genetics (formerly Invitae), Labcorp
Classification: Uncertain significance. Last evaluated: 2022-10-24. Review status: criteria provided, single submitter. Criteria: Invitae Variant Classification Sherloc (09022015). Collection method: clinical testing. Allele origin: germline.
Comment: This sequence change replaces asparagine, which is neutral and polar, with serine, which is neutral and polar, at codon 1340 of the LRP2 protein (p.Asn1340Ser). This variant is present in population databases (rs374982382, gnomAD 0.005%). This variant has not been reported in the literature in individuals affected with LRP2-related conditions. ClinVar contains an entry for this variant (Variation ID: 1512363). Algorithms developed to predict the effect of missense changes on protein structure and function output the following: SIFT: "Deleterious"; PolyPhen-2: "Benign"; Align-GVGD: "Class C45". The serine amino acid residue is found in multiple mammalian species, which suggests that this missense change does not adversely affect protein function. In summary, the available evidence is currently insufficient to determine the role of this variant in disease. Therefore, it has been classified as a Variant of Uncertain Significance.

NM_004525.3(LRP2):c.4019A>G (p.Asn1340Ser)

Gene: LRP2 (LDL receptor related protein 2; minus strand). Cytogenetic location: 2q31.1.
Variant type: single nucleotide variant.
Coding change: c.4019A>G on transcript NM_004525.3 (MANE Select); coding-DNA position 4019, A replaced by G.
Protein change: p.Asn1340Ser; replaces asparagine 1340 with serine.
Molecular consequence: missense variant.
Genome position (GRCh38, 1-based): chr2:169,241,014, T>C on the plus strand (A>G on the coding strand, the complement: LRP2 is on the minus strand). VCF-style: chr2-169241014-T-C. GRCh37 (hg19) VCF-style: chr2-170097524-T-C.
Other names: short protein forms N1340S.
Identifiers: ClinVar variation 1512363 (VCV001512363.5), dbSNP rs374982382, ClinGen allele CA1954905.